The following is an entry in ClinVar:

NM_000540.3(RYR1):c.5087C>G (p.Ala1696Gly)

Gene: RYR1 (ryanodine receptor 1; plus strand). Cytogenetic location: 19q13.2.
Variant type: single nucleotide variant.
Coding change: c.5087C>G on transcript NM_000540.3 (MANE Select); coding-DNA position 5087, C replaced by G.
Protein change: p.Ala1696Gly; replaces alanine 1696 with glycine.
Molecular consequence: missense variant.
Genome position (GRCh38, 1-based): chr19:38,485,742, C>G. VCF-style: chr19-38485742-C-G. GRCh37 (hg19) VCF-style: chr19-38976382-C-G.
Other names: c.5087C>G, p.Ala1696Gly (NM_001042723.2); short protein forms A1696G.
Identifiers: ClinVar variation 3074930 (VCV003074930.1), dbSNP rs2514227038, ClinGen allele CA405653711.
Genomic context (GRCh38, chr19:38,485,742, plus strand): 5'-GCAACAATCGCGTGGCGCACGCTCTGTGCAGCCACGTAGACCAAGCTCAGCTGCTGCACG[C>G]CCTGGAGGACGCGCACCTGCCAGGCCCACTGCGCGCAGGCTACTATGACCTCCTCATCAG-3'
Protein context (NP_000531.2, residues 1686-1706): SHVDQAQLLH[Ala1696Gly]LEDAHLPGPL

ClinVar aggregate classification (germline): Uncertain significance (1 of 4 stars; one submission).

Conditions:
Malignant hyperthermia, susceptibility to, 1 (MHS1). Also called: Anesthesia related hyperthermia; Malignant hyperpyrexia; Fulminating hyperpyrexia; Pharmacogenic myopathy; RYR1-Related Malignant Hyperthermia Susceptibility; Malignant hyperthermia suceptibility 1. Identifiers: Orphanet 423, MedGen C2930980, MONDO:0007783, OMIM 145600.

Submission:

All of Us Research Program, National Institutes of Health
Classification: Uncertain significance for Malignant hyperthermia, susceptibility to, 1. Last evaluated: 2023-12-13. Review status: criteria provided, single submitter. Criteria: ACMG Guidelines, 2015. Collection method: clinical testing. Allele origin: germline. Inheritance: Autosomal dominant inheritance. Observed: 1 variant allele, 1 heterozygote.
Comment: This missense variant replaces alanine with glycine at codon 1696 of the RYR1 protein. Computational prediction is inconclusive regarding the impact of this variant on protein structure and function (internally defined REVEL score threshold 0.5 < inconclusive < 0.7, PMID: 27666373). To our knowledge, functional studies have not been reported for this variant. This variant has not been reported in individuals affected with RYR1-related disorders in the literature. This variant has not been identified in the general population by the Genome Aggregation Database (gnomAD). The available evidence is insufficient to determine the role of this variant in disease conclusively. Therefore, this variant is classified as a Variant of Uncertain Significance.

This study involves interpretation of variants in research participants for the purpose of population health screening. Participant phenotype was not available at the time of variant classification. Additional details can be found in publication PMID: 35346344, PMCID: PMC8962531